The following is an entry in ClinVar:

ClinVar aggregate classification (germline): Likely benign (0 of 4 stars; one submission).

Conditions:
HERC2-related disorder. Also called: HERC2-related condition.

gnomAD v4.1: 14 of 1,613,560 alleles (0.00087%); highest among the groups gnomAD compares: Non-Finnish European, 0.0012%; 1 homozygote.

Submission:

PreventionGenetics, part of Exact Sciences
Classification: Likely benign for HERC2-related condition. Last evaluated: 2020-02-25. Review status: no assertion criteria provided. Collection method: clinical testing. Allele origin: germline.
Comment: This variant is classified as likely benign based on ACMG/AMP sequence variant interpretation guidelines (Richards et al. 2015 PMID: 25741868, with internal and published modifications).

NM_004667.6(HERC2):c.11700+8A>C

Gene: HERC2 (HECT and RLD domain containing E3 ubiquitin protein ligase 2; minus strand). Cytogenetic location: 15q13.1.
Variant type: single nucleotide variant.
Coding change: c.11700+8A>C on transcript NM_004667.6 (MANE Select); 8 bases into the intron after coding-DNA position 11700, A replaced by C.
Molecular consequence: intron variant.
Genome position (GRCh38, 1-based): chr15:28,142,230, T>G on the plus strand (A>C on the coding strand, the complement: HERC2 is on the minus strand). VCF-style: chr15-28142230-T-G. GRCh37 (hg19) VCF-style: chr15-28387376-T-G.
Identifiers: ClinVar variation 3346979 (VCV003346979.1).